The following is an entry in ClinVar:

ClinVar aggregate classification (germline): Pathogenic (1 of 4 stars; one submission).

Allele frequency attached by ClinVar (database versions not stated): TOPMed below 0.00001; gnomAD 0.00001.

Submission:

Labcorp Genetics (formerly Invitae), Labcorp
Classification: Pathogenic. Last evaluated: 2023-01-26. Review status: criteria provided, single submitter. Criteria: Invitae Variant Classification Sherloc (09022015). Collection method: clinical testing. Allele origin: germline.
Comment: For these reasons, this variant has been classified as Pathogenic. This variant disrupts a region of the HJV protein in which other variant(s) (p.Arg385*) have been determined to be pathogenic (PMID: 14982873, 30389309). This suggests that this is a clinically significant region of the protein, and that variants that disrupt it are likely to be disease-causing. ClinVar contains an entry for this variant (Variation ID: 1398738). This variant has not been reported in the literature in individuals affected with HJV-related conditions. This variant is not present in population databases (gnomAD no frequency). This sequence change creates a premature translational stop signal (p.Val365Phefs*2) in the HJV gene. While this is not anticipated to result in nonsense mediated decay, it is expected to disrupt the last 62 amino acid(s) of the HJV protein.

Literature cited by the submitters: PubMed 14982873; PubMed 30389309.

NM_213653.4(HJV):c.1093del (p.Val365fs)

Gene: HJV (hemojuvelin BMP co-receptor; minus strand). Cytogenetic location: 1q21.1.
Variant type: Deletion.
Coding change: c.1093del on transcript NM_213653.4 (MANE Select); coding-DNA position 1093, one base deleted (G; older notation c.1093delG).
Protein change: p.Val365fs; shifts the reading frame from valine 365.
Molecular consequence: frameshift variant.
Genome position (GRCh38, 1-based): chr1:146,018,265, C deleted on the plus strand (G on the coding strand, the reverse complement: HJV is on the minus strand). VCF-style (leftmost placement, unchanged base first): chr1-146018264-AC-A. GRCh37 (hg19) VCF-style: chr1-145416747-TG-T.
Other names: c.415del, p.Val139fs (NM_001316767.2, NM_202004.4, NM_213652.4); c.1093del, p.Val365fs (NM_001379352.1); c.754del, p.Val252fs (NM_145277.5); short protein forms V139fs, V252fs, V365fs.
Identifiers: ClinVar variation 1398738 (VCV001398738.8), dbSNP rs1340709743, ClinGen allele CA888578683.
Genomic context (GRCh38, chr1:146,018,264, plus strand): 5'-CGGGCATCCTCCAGTGCTGCCTGAGCTGCCACGGTAAAGTTGGGATCACCAGAAATTAAA[AC>A]ATCAAAGACACAGGAATGGAAGTAAGCATCTTCCACTGGAAGCCCTTCCTTGCACAGCCG-3'